The following is an entry in ClinVar:

ClinVar aggregate classification (germline): Likely pathogenic. Review status: criteria provided, multiple submitters, no conflicts (2 of 4 stars). 2 submissions from 2 submitters: Likely pathogenic (2). Last evaluated 2025-12-11.

Conditions:
Intellectual developmental disorder, autosomal dominant 56. Also called: Intellectual disability, autosomal dominant 56; MENTAL RETARDATION, AUTOSOMAL DOMINANT 56. Identifiers: MedGen C4693389, MONDO:0030922, OMIM 617854.

Submissions (2):

Variantyx, Inc.
Classification: Likely pathogenic for Intellectual developmental disorder, autosomal dominant 56. Last evaluated: 2025-12-11. Review status: criteria provided, single submitter. Criteria: Variantyx Assertion Criteria 2022. Collection method: clinical testing. Allele origin: germline. Inheritance: Autosomal dominant inheritance. Affected: yes.
Comment: This is a nonsense variant in the CLTC gene (OMIM: 118955). Pathogenic variants in this gene have been associated with autosomal dominant intellectual developmental disorder 56. This variant introduces a premature termination codon in exon 25 out of 32 and is expected to result in loss of function, which is a known disease mechanism for CLTC in this disorder (PMID: 31776469, 26822784, 33041083, 29100083) (PVS1). This variant is absent from control populations (PM2). Of note, variable expressivity and phenotypic severity has been noted, especially in association with truncating variants (PMID:29100083, 31776469). Based on the current evidence, this variant is classified as likely pathogenic for autosomal dominant intellectual developmental disorder 56.

GeneDx
Classification: Likely pathogenic. Last evaluated: 2021-10-13. Review status: criteria provided, single submitter. Criteria: GeneDx Variant Classification Process June 2021. Collection method: clinical testing. Allele origin: germline. Affected: yes.
Comment: Nonsense variant predicted to result in protein truncation or nonsense mediated decay in a gene for which loss-of-function is a known mechanism of disease; Not observed at significant frequency in large population cohorts (gnomAD); Has not been previously published as pathogenic or benign to our knowledge

Literature cited by the submitters: PubMed 31776469 (cited by Variantyx, Inc.); PubMed 26822784 (cited by Variantyx, Inc.); PubMed 33041083 (cited by Variantyx, Inc.); PubMed 29100083 (cited by Variantyx, Inc.).

NM_004859.4(CLTC):c.3931C>T (p.Arg1311Ter)

Gene: CLTC (clathrin heavy chain; plus strand). Cytogenetic location: 17q23.1.
Variant type: single nucleotide variant.
Coding change: c.3931C>T on transcript NM_004859.4 (MANE Select); coding-DNA position 3931, C replaced by T.
Protein change: p.Arg1311Ter; replaces arginine 1311 with a stop codon.
Molecular consequence: nonsense.
Genome position (GRCh38, 1-based): chr17:59,683,152, C>T. VCF-style: chr17-59683152-C-T. GRCh37 (hg19) VCF-style: chr17-57760513-C-T.
Other names: c.3943C>T, p.Arg1315Ter (NM_001288653.2); short protein forms R1311*, R1315*.
Identifiers: ClinVar variation 1676904 (VCV001676904.3), dbSNP rs1336573328, ClinGen allele CA400419644.
Genomic context (GRCh38, chr17:59,683,152, plus strand): 5'-CAGGATCGTGGCTATTTTGAAGAGCTGATCACCATGTTGGAAGCAGCACTGGGACTTGAG[C>T]GAGCTCACATGGGAATGTTTACTGAATTAGCTATTCTATACTCTAAATTTAAGCCTCAGA-3'